The following is an entry in ClinVar:

ClinVar aggregate classification (germline): Benign/Likely benign. Review status: criteria provided, multiple submitters, no conflicts (2 of 4 stars). 2 submissions from 2 submitters: Benign (1); Likely benign (1). Last evaluated 2020-12-24.

Conditions:
Charcot-Marie-Tooth disease type 2A1. Also called: CHARCOT-MARIE-TOOTH DISEASE, AXONAL, TYPE 2A1; CHARCOT-MARIE-TOOTH DISEASE, AXONAL, AUTOSOMAL DOMINANT, TYPE 2A1; CHARCOT-MARIE-TOOTH DISEASE, NEURONAL, TYPE 2A1; CHARCOT-MARIE-TOOTH NEUROPATHY, TYPE 2A1; HEREDITARY MOTOR AND SENSORY NEUROPATHY IIA1. Identifiers: Orphanet 99946, MedGen C1861678, MONDO:0007308, OMIM 118210.

Allele frequency attached by ClinVar (database versions not stated): gnomAD exomes 0.00002; ExAC 0.00002.
gnomAD v4.1: 23 of 1,614,100 alleles (0.0014%); highest among the groups gnomAD compares: Middle Eastern, 0.033%; no homozygotes.

Submissions (2):

Ambry Genetics
Classification: Likely benign. Last evaluated: 2020-12-24. Review status: criteria provided, single submitter. Criteria: Ambry Variant Classification Scheme 2023. Collection method: clinical testing. Allele origin: germline.

Medical Genetics Laboratory, Niloo Shiraz Laboratory
Classification: Benign for Charcot-Marie-Tooth disease type 2A1. Review status: criteria provided, single submitter. Criteria: ACMG Guidelines, 2015. Collection method: clinical testing. Allele origin: germline. Inheritance: Autosomal dominant inheritance. Affected: no.
Comment: This variant was observed in multiple healthy individuals in our Niloo-exome database and is also reported in gnomAD exome with a frequency of ƒ = 0.0000157. Considering its allele frequency, age of onset, and in silico predictions, we classified this variant as benign.

NM_001365951.3(KIF1B):c.62G>A (p.Ser21Asn)

Genes: KIF1B (kinesin family member 1B; plus strand), LOC129388446 (MPRA-validated peak64 silencer; plus strand). Cytogenetic location: 1p36.22.
Variant type: single nucleotide variant.
Coding change: c.62G>A on transcript NM_001365951.3 (MANE Select); coding-DNA position 62, G replaced by A.
Protein change: p.Ser21Asn; replaces serine 21 with asparagine.
Molecular consequence: missense variant.
Genome position (GRCh38, 1-based): chr1:10,232,390, G>A. VCF-style: chr1-10232390-G-A. GRCh37 (hg19) VCF-style: chr1-10292448-G-A.
Other names: c.62G>A, p.Ser21Asn (NM_001365952.1, NM_001365953.1, NM_015074.3 and 1 more transcripts); short protein forms S21N.
Identifiers: ClinVar variation 1752719 (VCV001752719.3), dbSNP rs774652777, ClinGen allele CA580599.
Genomic context (GRCh38, chr1:10,232,390, plus strand): 5'-TGTCGGGAGCCTCAGTGAAGGTGGCTGTCCGGGTAAGGCCCTTCAATTCTCGAGAGACCA[G>A]CAAGGAATCCAAATGCATCATTCAGATGCAAGGCAACTCGACCAGTGAGTACATGTTGTT-3'
Protein context (NP_001352880.1, residues 11-31): RVRPFNSRET[Ser21Asn]KESKCIIQMQ